The following is an entry in ClinVar:

ClinVar aggregate classification (germline): Pathogenic (0 of 4 stars; one submission).

Conditions:
Trimethylaminuria (TMAU). Also called: Stale fish syndrome; TMAuria; Primary Trimethylaminuria; FISH-ODOR SYNDROME; Fish malodor syndrome. Identifiers: MedGen C0342739, MONDO:0011182, OMIM 602079, HP:0003614. Disease mechanism: loss of function.

Submission:

GeneReviews
Classification: Pathogenic for Trimethylaminuria. Last evaluated: 2015-10-01. Review status: no assertion criteria provided. Collection method: literature only. Allele origin: germline. Affected: yes.
Comment: p.Val187Ala in cis configuration with p.Glu158Lys has a severe effect on enzyme activity

Literature cited by the submitters: PubMed 19321370.

NM_006894.4(FMO3):c.[472G>A;560T>C]

Variant type: Haplotype.
Identifiers: ClinVar variation 217371 (VCV000217371.1).